The following is an entry in ClinVar:

NM_000431.4(MVK):c.901A>C (p.Asn301His)

Gene: MVK (mevalonate kinase; plus strand). Cytogenetic location: 12q24.11.
Variant type: single nucleotide variant.
Coding change: c.901A>C on transcript NM_000431.4 (MANE Select); coding-DNA position 901, A replaced by C.
Protein change: p.Asn301His; replaces asparagine 301 with histidine.
Molecular consequence: missense variant. On other transcripts: non-coding transcript variant (4).
Genome position (GRCh38, 1-based): chr12:109,595,043, A>C. VCF-style: chr12-109595043-A-C. GRCh37 (hg19) VCF-style: chr12-110032848-A-C.
Other names: c.901A>C, p.Asn301His (NM_001114185.3, NM_001414511.1, NM_001414513.1); c.745A>C, p.Asn249His (NM_001301182.2, NM_001414514.1); c.976A>C, p.Asn326His (NM_001414512.1); c.319A>C, p.Asn107His (NM_001414515.1); short protein forms N107H, N249H, N301H, N326H.
Identifiers: ClinVar variation 3763488 (VCV003763488.2).

ClinVar aggregate classification (germline): Uncertain significance (1 of 4 stars; one submission).

Conditions:
Mevalonic aciduria (MEVA). Identifiers: Orphanet 29, MedGen C1959626, MONDO:0012481, OMIM 610377.
Hyperimmunoglobulin D with periodic fever (HIDS). Also called: HYPERIMMUNOGLOBULINEMIA D AND PERIODIC FEVER SYNDROME; Hyperimmunoglobulinemia D; Hyperimmunoglobulinemia D with periodic fever. Identifiers: Orphanet 343, MedGen C0398691, MONDO:0009849, OMIM 260920.
Porokeratosis 3, disseminated superficial actinic type (POROK3). Also called: POROKERATOSIS, DISSEMINATED SUPERFICIAL ACTINIC, 1; POROKERATOSIS 3, MULTIPLE TYPES; POROKERATOSIS 3, MIBELLI TYPE. Identifiers: MedGen C1867981, MONDO:0008293, OMIM 175900.

Submission:

Labcorp Genetics (formerly Invitae), Labcorp
Classification: Uncertain significance for Mevalonic aciduria; Hyperimmunoglobulin D with periodic fever; Porokeratosis 3, disseminated superficial actinic type. Last evaluated: 2024-07-23. Review status: criteria provided, single submitter. Criteria: Invitae Variant Classification Sherloc (09022015). Collection method: clinical testing. Allele origin: germline.
Comment: This sequence change replaces asparagine, which is neutral and polar, with histidine, which is basic and polar, at codon 301 of the MVK protein (p.Asn301His). This variant is not present in population databases (gnomAD no frequency). This variant has not been reported in the literature in individuals affected with MVK-related conditions. Advanced modeling of protein sequence and biophysical properties (such as structural, functional, and spatial information, amino acid conservation, physicochemical variation, residue mobility, and thermodynamic stability) performed at Invitae indicates that this missense variant is expected to disrupt MVK protein function with a positive predictive value of 80%. In summary, the available evidence is currently insufficient to determine the role of this variant in disease. Therefore, it has been classified as a Variant of Uncertain Significance.